The following is an entry in ClinVar:

NM_007078.3(LDB3):c.467C>A (p.Ala156Asp)

Gene: LDB3 (LIM domain binding 3; plus strand). Cytogenetic location: 10q23.2.
Variant type: single nucleotide variant.
Coding change: c.467C>A on transcript NM_007078.3 (MANE Select); coding-DNA position 467, C replaced by A.
Protein change: p.Ala156Asp; replaces alanine 156 with aspartic acid.
Molecular consequence: missense variant. On other transcripts: intron variant (5).
Genome position (GRCh38, 1-based): chr10:86,681,581, C>A. VCF-style: chr10-86681581-C-A. GRCh37 (hg19) VCF-style: chr10-88441338-C-A.
Other names: c.467C>A, p.Ala156Asp (NM_001080115.2, NM_001171610.2, NM_001171611.2 and 3 more transcripts); c.321+1424C>A (NM_001368068.1, NM_001368066.1, NM_001080114.2 and 2 more transcripts); short protein forms A156D.
Identifiers: ClinVar variation 4729788 (VCV004729788.1).

ClinVar aggregate classification (germline): Uncertain significance (1 of 4 stars; one submission).

Conditions:
Myofibrillar myopathy 4. Also called: Zaspopathy (type). Identifiers: Orphanet 98912, MedGen C4721886, MONDO:0012277, OMIM 609452.

Submission:

Labcorp Genetics (formerly Invitae), Labcorp
Classification: Uncertain significance for Myofibrillar myopathy 4. Last evaluated: 2025-10-24. Review status: criteria provided, single submitter. Criteria: Invitae Variant Classification Sherloc (09022015). Collection method: clinical testing. Allele origin: germline.
Comment: The LDB3 gene has multiple clinically relevant transcripts. This variant occurs in alternate transcript NM_007078.3, and corresponds to NM_001080116.1:c.321+1424C>A in the primary transcript. This sequence change replaces alanine, which is neutral and non-polar, with aspartic acid, which is acidic and polar, at codon 156 of the LDB3 protein (p.Ala156Asp). This variant is not present in population databases (gnomAD no frequency). This variant has not been reported in the literature in individuals affected with LDB3-related conditions. Experimental studies and prediction algorithms are not available or were not evaluated, and the functional significance of this variant is currently unknown. Algorithms developed to predict the effect of sequence changes on RNA splicing suggest that this variant is not likely to affect RNA splicing. In summary, the available evidence is currently insufficient to determine the role of this variant in disease. Therefore, it has been classified as a Variant of Uncertain Significance.